The following is an entry in ClinVar:

ClinVar aggregate classification (germline): Uncertain significance. Review status: criteria provided, multiple submitters, no conflicts (2 of 4 stars). 2 submissions from 2 submitters: Uncertain significance (2). Last evaluated 2024-12-14.

Allele frequency attached by ClinVar (database versions not stated): gnomAD 0.00001; gnomAD exomes 0.00002; TOPMed 0.00004.
gnomAD v4.1: 23 of 1,536,418 alleles (0.0015%); highest among the groups gnomAD compares: South Asian, 0.0072%; no homozygotes.

Submissions (2):

Ambry Genetics
Classification: Uncertain significance. Last evaluated: 2024-12-14. Review status: criteria provided, single submitter. Criteria: Ambry Variant Classification Scheme 2023. Collection method: clinical testing. Allele origin: germline.

Labcorp Genetics (formerly Invitae), Labcorp
Classification: Uncertain significance. Last evaluated: 2023-12-27. Review status: criteria provided, single submitter. Criteria: Invitae Variant Classification Sherloc (09022015). Collection method: clinical testing. Allele origin: germline.
Comment: This sequence change replaces glycine, which is neutral and non-polar, with aspartic acid, which is acidic and polar, at codon 214 of the EPS8L2 protein (p.Gly214Asp). This variant is present in population databases (no rsID available, gnomAD 0.004%). This variant has not been reported in the literature in individuals affected with EPS8L2-related conditions. An algorithm developed to predict the effect of missense changes on protein structure and function (PolyPhen-2) suggests that this variant¬†is likely to be tolerated. In summary, the available evidence is currently insufficient to determine the role of this variant in disease. Therefore, it has been classified as a Variant of Uncertain Significance.

NM_022772.4(EPS8L2):c.641G>A (p.Gly214Asp)

Genes: EPS8L2 (EPS8 signaling adaptor L2; plus strand), LOC130005078 (ATAC-STARR-seq lymphoblastoid silent region 3018; plus strand). Cytogenetic location: 11p15.5.
Variant type: single nucleotide variant.
Coding change: c.641G>A on transcript NM_022772.4 (MANE Select); coding-DNA position 641, G replaced by A.
Protein change: p.Gly214Asp; replaces glycine 214 with aspartic acid.
Molecular consequence: missense variant.
Genome position (GRCh38, 1-based): chr11:721,147, G>A. VCF-style: chr11-721147-G-A. GRCh37 (hg19) VCF-style: chr11-721147-G-A.
Other names: c.641G>A (NM_022772.3); short protein forms G214D.
Identifiers: ClinVar variation 2909805 (VCV002909805.2), dbSNP rs904131729, ClinGen allele CA216939447.
Genomic context (GRCh38, chr11:721,147, plus strand): 5'-AGCGGCAGTCCATCCTGCCTCCTCCCCAGGGCCCGGCGCCCATCCCCTTCCAGCACCGCG[G>A]CGGGGATTCCCCGGAGGCCAAGAATCGCGTGGGCCCGCAGGTGCCACTCAGCGAGCCAGG-3'
Protein context (NP_073609.2, residues 204-224): GPAPIPFQHR[Gly214Asp]GDSPEAKNRV